The following is an entry in ClinVar:

ClinVar aggregate classification (germline): Likely benign. Review status: reviewed by expert panel (3 of 4 stars). 3 submissions from 3 submitters: Likely benign (1). 2 of the submissions do not count toward it. Last evaluated 2017-06-29.

Conditions:
Hereditary breast ovarian cancer syndrome. Also called: Hereditary breast and ovarian cancer syndrome (HBOC); BRCA1- and BRCA2-Associated Hereditary Breast and Ovarian Cancer; Hereditary breast and/or ovarian cancer syndrome; Hereditary breast and ovarian cancer syndrome; Hereditary breast and ovarian cancer; Breast and ovarian cancer. Identifiers: Orphanet 145, MedGen C0677776, MeSH D061325, MONDO:0003582. Disease mechanism: loss of function.
Hereditary cancer-predisposing syndrome. Also called: Neoplastic Syndromes, Hereditary; Hereditary neoplastic syndrome; Tumor predisposition; Hereditary Cancer Syndrome. Identifiers: Orphanet 140162, MedGen C0027672, MeSH D009386, MONDO:0015356.
Breast-ovarian cancer, familial, susceptibility to, 1 (BROVCA1). Also called: BRCA1 Hereditary Breast and Ovarian Cancer; OVARIAN CANCER, SUSCEPTIBILITY TO. Identifiers: Orphanet 145, MedGen C2676676, MONDO:0011450, OMIM 604370. Disease mechanism: loss of function.

Allele frequency attached by ClinVar (database versions not stated): gnomAD exomes below 0.00001; ExAC 0.00002.

Submissions (4):

Evidence-based Network for the Interpretation of Germline Mutant Alleles (ENIGMA)
Classification: Likely benign for Breast-ovarian cancer, familial, susceptibility to, 1. Last evaluated: 2017-06-29. Review status: reviewed by expert panel. Criteria: ENIGMA BRCA1/2 Classification Criteria (2017-06-29). Collection method: curation. Allele origin: germline.
Comment: Synonymous substitution variant, with low bioinformatic likelihood to result in a splicing aberration (Splicing prior probability 0.02).

Labcorp Genetics (formerly Invitae), Labcorp
Classification: Likely benign for Hereditary breast ovarian cancer syndrome. Last evaluated: 2024-01-27. Review status: criteria provided, single submitter. Criteria: Invitae Variant Classification Sherloc (09022015). Collection method: clinical testing. Allele origin: germline. Not counted in ClinVar's aggregate classification.

Ambry Genetics
Classification: Likely benign for Hereditary cancer-predisposing syndrome. Last evaluated: 2021-05-25. Review status: criteria provided, single submitter. Criteria: Ambry Variant Classification Scheme 2023. Collection method: clinical testing. Allele origin: germline. Not counted in ClinVar's aggregate classification.

Brotman Baty Institute, University of Washington
No classification provided (evidence only). Condition: Breast-ovarian cancer, familial 1. Review status: no classification provided. Collection method: in vitro. Allele origin: not applicable. Functional consequence: functionally_normal. Not counted in ClinVar's aggregate classification.
ClinVar note: "not provided" was previously submitted as the classification for the variant. However, the classification appeared to be based only on an observation of functional data so it was converted to no classification on 2025-07-30.

NM_007294.4(BRCA1):c.5031T>A (p.Thr1677=)

Gene: BRCA1 (BRCA1 DNA repair associated; minus strand). Cytogenetic location: 17q21.31.
Variant type: single nucleotide variant.
Coding change: c.5031T>A on transcript NM_007294.4 (MANE Select); coding-DNA position 5031, T replaced by A.
Protein change: p.Thr1677=; no amino-acid change (threonine 1677 retained).
Molecular consequence: synonymous variant. On other transcripts: intron variant (1).
Genome position (GRCh38, 1-based): chr17:43,067,651, A>T on the plus strand (T>A on the coding strand, the complement: BRCA1 is on the minus strand). VCF-style: chr17-43067651-A-T. GRCh37 (hg19) VCF-style: chr17-41219668-A-T.
Other names: c.4818T>A, p.Thr1606= (NM_001407571.1, NM_001407894.1, NM_001407895.1 and 12 more transcripts); c.5097T>A, p.Thr1699= (NM_001407581.1, NM_001407582.1); c.5094T>A, p.Thr1698= (NM_001407583.1, NM_001407585.1, NM_001407587.1 and 1 more transcripts); c.5091T>A, p.Thr1697= (NM_001407590.1, NM_001407591.1); c.5031T>A, p.Thr1677= (NM_001407593.1, NM_001407594.1, NM_001407596.1 and 8 more transcripts); c.5028T>A, p.Thr1676= (NM_001407610.1, NM_001407611.1, NM_001407612.1 and 17 more transcripts); c.5025T>A, p.Thr1675= (NM_001407627.1, NM_001407628.1, NM_001407629.1 and 14 more transcripts); c.5022T>A, p.Thr1674= (NM_001407644.1, NM_001407645.1); and 71 more.
Identifiers: ClinVar variation 427338 (VCV000427338.17), dbSNP rs765241963, ClinGen allele CA053716.